The following is an entry in ClinVar:

ClinVar aggregate classification (germline): Uncertain significance (1 of 4 stars; one submission).

Conditions:
Autosomal dominant limb-girdle muscular dystrophy type 1F (LGMDD2). Also called: Limb-girdle muscular dystrophy, type 1F; MUSCULAR DYSTROPHY, LIMB-GIRDLE, AUTOSOMAL DOMINANT 2. Identifiers: Orphanet 55595, MedGen C1842062, MONDO:0012034, OMIM 608423.

Allele frequency attached by ClinVar (database versions not stated): TOPMed below 0.00001; gnomAD 0.00001; gnomAD exomes 0.00001.
gnomAD v4.1: 9 of 1,613,276 alleles (0.00056%); highest among the groups gnomAD compares: Non-Finnish European, 0.00068%; no homozygotes.

Submission:

Labcorp Genetics (formerly Invitae), Labcorp
Classification: Uncertain significance for Autosomal dominant limb-girdle muscular dystrophy type 1F. Last evaluated: 2025-11-24. Review status: criteria provided, single submitter. Criteria: Invitae Variant Classification Sherloc (09022015). Collection method: clinical testing. Allele origin: germline.
Comment: This sequence change replaces arginine, which is basic and polar, with histidine, which is basic and polar, at codon 762 of the TNPO3 protein (p.Arg762His). This variant is not present in population databases (gnomAD no frequency). This variant has not been reported in the literature in individuals affected with TNPO3-related conditions. ClinVar contains an entry for this variant (Variation ID: 1978523). Invitae Evidence Modeling of protein sequence and biophysical properties (such as structural, functional, and spatial information, amino acid conservation, physicochemical variation, residue mobility, and thermodynamic stability) indicates that this missense variant is not expected to disrupt TNPO3 protein function with a negative predictive value of 80%. In summary, the available evidence is currently insufficient to determine the role of this variant in disease. Therefore, it has been classified as a Variant of Uncertain Significance.

NM_012470.4(TNPO3):c.2285G>A (p.Arg762His)

Gene: TNPO3 (transportin 3; minus strand). Cytogenetic location: 7q32.1.
Variant type: single nucleotide variant.
Coding change: c.2285G>A on transcript NM_012470.4 (MANE Select); coding-DNA position 2285, G replaced by A.
Protein change: p.Arg762His; replaces arginine 762 with histidine.
Molecular consequence: missense variant. On other transcripts: non-coding transcript variant (18).
Genome position (GRCh38, 1-based): chr7:128,972,571, C>T on the plus strand (G>A on the coding strand, the complement: TNPO3 is on the minus strand). VCF-style: chr7-128972571-C-T. GRCh37 (hg19) VCF-style: chr7-128612625-C-T.
Other names: c.2093G>A, p.Arg698His (NM_001191028.3, NM_001382223.1); c.2387G>A, p.Arg796His (NM_001382216.1); c.2366G>A, p.Arg789His (NM_001382217.1); c.2285G>A, p.Arg762His (NM_001382218.1); c.2177G>A, p.Arg726His (NM_001382219.1); c.2144G>A, p.Arg715His (NM_001382220.1); c.2141G>A, p.Arg714His (NM_001382221.1); c.2138G>A, p.Arg713His (NM_001382222.1); short protein forms R714H, R726H, R789H, R698H, R715H, R762H, R713H, R796H.
Identifiers: ClinVar variation 1978523 (VCV001978523.4), dbSNP rs780577225, ClinGen allele CA166244546.